The following is an entry in ClinVar:

ClinVar aggregate classification (germline): Uncertain significance. Review status: criteria provided, multiple submitters, no conflicts (2 of 4 stars). 2 submissions from 2 submitters: Uncertain significance (2). Last evaluated 2024-10-16.

Conditions:
Inborn genetic diseases. Identifiers: MedGen C0950123, MeSH D030342.

gnomAD v4.1: 2 of 1,579,302 alleles (0.00013%); no homozygotes.

Submissions (2):

Labcorp Genetics (formerly Invitae), Labcorp
Classification: Uncertain significance. Last evaluated: 2024-10-16. Review status: criteria provided, single submitter. Criteria: Invitae Variant Classification Sherloc (09022015). Collection method: clinical testing. Allele origin: germline.
Comment: This sequence change replaces methionine, which is neutral and non-polar, with threonine, which is neutral and polar, at codon 54 of the HELLS protein (p.Met54Thr). This variant is not present in population databases (gnomAD no frequency). This variant has not been reported in the literature in individuals affected with HELLS-related conditions. ClinVar contains an entry for this variant (Variation ID: 2092849). An algorithm developed to predict the effect of missense changes on protein structure and function (PolyPhen-2) suggests that this variant¬†is likely to be tolerated. In summary, the available evidence is currently insufficient to determine the role of this variant in disease. Therefore, it has been classified as a Variant of Uncertain Significance.

Ambry Genetics
Classification: Uncertain significance for Inborn genetic diseases. Last evaluated: 2023-08-04. Review status: criteria provided, single submitter. Criteria: Ambry Variant Classification Scheme 2023. Collection method: clinical testing. Allele origin: germline.

NM_018063.5(HELLS):c.161T>C (p.Met54Thr)

Gene: HELLS (helicase, lymphoid specific; plus strand). Cytogenetic location: 10q23.33.
Variant type: single nucleotide variant.
Coding change: c.161T>C on transcript NM_018063.5 (MANE Select); coding-DNA position 161, T replaced by C.
Protein change: p.Met54Thr; replaces methionine 54 with threonine.
Molecular consequence: missense variant. On other transcripts: 5 prime UTR variant (4).
Genome position (GRCh38, 1-based): chr10:94,554,133, T>C. VCF-style: chr10-94554133-T-C. GRCh37 (hg19) VCF-style: chr10-96313890-T-C.
Other names: c.161T>C, p.Met54Thr (NM_001289067.2, NM_001289069.2, NM_001289070.2 and 1 more transcripts); c.113T>C, p.Met38Thr (NM_001289068.2); c.-256T>C (NM_001289071.2); c.-189T>C (NM_001289073.2); c.-842T>C (NM_001289074.2); c.-861T>C (NM_001289075.2); c.161T>C (NM_018063.3); short protein forms M54T, M38T.
Identifiers: ClinVar variation 2092849 (VCV002092849.5), dbSNP rs2493066868, ClinGen allele CA377650911.